The following is an entry in ClinVar:

NM_178857.6(RP1L1):c.1071C>T (p.Pro357=)

Gene: RP1L1 (RP1 like 1). Cytogenetic location: 8p23.1.
Variant type: single nucleotide variant.
Coding change: c.1071C>T on transcript NM_178857.6 (MANE Select); coding-DNA position 1071, C replaced by T.
Protein change: p.Pro357=; no amino-acid change (proline 357 retained).
Molecular consequence: synonymous variant.
Genome position (GRCh38, 1-based): chr8:10,613,027, G>A on the plus strand (C>T on the coding strand, the complement: RP1L1 is on the minus strand). VCF-style: chr8-10613027-G-A. GRCh37 (hg19) VCF-style: chr8-10470537-G-A.
Other names: c.1071C>T (NM_178857.5).
Identifiers: ClinVar variation 4899396 (VCV004899396.2).

ClinVar aggregate classification (germline): Likely benign. Review status: criteria provided, multiple submitters, no conflicts (2 of 4 stars). 2 submissions from 2 submitters: Likely benign (2). Last evaluated 2024-11-11.

Conditions:
RP1L1-related disorder. Also called: RP1L1-related condition.

gnomAD v4.1: 83 of 1,613,416 alleles (0.0051%); highest among the groups gnomAD compares: African/African-American, 0.051%; no homozygotes.

Submissions (2):

PreventionGenetics, part of Exact Sciences
Classification: Likely benign for RP1L1-related condition. Last evaluated: 2024-11-11. Review status: criteria provided, single submitter. Criteria: ACMG Guidelines, 2015. Collection method: clinical testing. Allele origin: germline.
Comment: This variant is classified as likely benign based on ACMG/AMP sequence variant interpretation guidelines (Richards et al. 2015 PMID: 25741868, with internal and published modifications).

Blueprint Genetics
Classification: Likely benign. Last evaluated: 2024-08-05. Review status: criteria provided, single submitter. Criteria: ACMG Guidelines, 2015. Collection method: clinical testing. Allele origin: germline.